The following is an entry in ClinVar:

ClinVar aggregate classification (germline): Uncertain significance. Review status: criteria provided, multiple submitters, no conflicts (2 of 4 stars). 2 submissions from 2 submitters: Uncertain significance (2). Last evaluated 2024-05-17.

Conditions:
Early-infantile DEE. Also called: Early infantile epileptic encephalopathy; Early infantile epileptic encephalopathy with suppression bursts; Ohtahara syndrome. Identifiers: Orphanet 1934, MedGen C0393706, MONDO:0800491.
Inborn genetic diseases. Identifiers: MedGen C0950123, MeSH D030342.

Allele frequency attached by ClinVar (database versions not stated): ExAC 0.00001; gnomAD 0.00002; 1000 Genomes Project 30x 0.00016; TOPMed 0.00002; 1000 Genomes Project 0.00020.
gnomAD v4.1: 15 of 1,613,726 alleles (0.00093%); highest among the groups gnomAD compares: African/African-American, 0.0053%; no homozygotes.

Submissions (2):

Labcorp Genetics (formerly Invitae), Labcorp
Classification: Uncertain significance for Early-infantile DEE. Last evaluated: 2024-05-17. Review status: criteria provided, single submitter. Criteria: Invitae Variant Classification Sherloc (09022015). Collection method: clinical testing. Allele origin: germline.
Comment: This sequence change affects codon 525 of the KCNQ2 mRNA. It is a 'silent' change, meaning that it does not change the encoded amino acid sequence of the KCNQ2 protein. This variant is present in population databases (rs528539094, gnomAD 0.007%). This variant has not been reported in the literature in individuals affected with KCNQ2-related conditions. ClinVar contains an entry for this variant (Variation ID: 1775571). Algorithms developed to predict the effect of sequence changes on RNA splicing suggest that this variant may create or strengthen a splice site. In summary, the available evidence is currently insufficient to determine the role of this variant in disease. Therefore, it has been classified as a Variant of Uncertain Significance.

Ambry Genetics
Classification: Uncertain significance for Inborn genetic diseases. Last evaluated: 2017-12-15. Review status: criteria provided, single submitter. Criteria: Ambry Variant Classification Scheme 2023. Collection method: clinical testing. Allele origin: germline.
Comment: The c.1575C>T variant (also known as p.C525C), located in coding exon 14, results from a C to T substitution at nucleotide position 1575 of the KCNQ2 gene. This nucleotide substitution does not change the amino acid at codon 525. This nucleotide position is poorly conserved in available vertebrate species. Using two different splice site prediction tools, this alteration is predicted by BDGP to create a new alternate splice donor site, while by ESE to create a non-native donor site that is not as strong as the native one. Since supporting evidence is limited at this time, the clinical significance of this alteration remains unclear.

NM_172107.4(KCNQ2):c.1575C>T (p.Cys525=)

Gene: KCNQ2 (potassium voltage-gated channel subfamily Q member 2; minus strand). Cytogenetic location: 20q13.33.
Variant type: single nucleotide variant.
Coding change: c.1575C>T on transcript NM_172107.4 (MANE Select); coding-DNA position 1575, C replaced by T.
Protein change: p.Cys525=; no amino-acid change (cysteine 525 retained).
Molecular consequence: synonymous variant.
Genome position (GRCh38, 1-based): chr20:63,414,144, G>A on the plus strand (C>T on the coding strand, the complement: KCNQ2 is on the minus strand). VCF-style: chr20-63414144-G-A. GRCh37 (hg19) VCF-style: chr20-62045497-G-A.
Other names: c.1521C>T, p.Cys507= (NM_001382235.1, NM_172106.3); c.1491C>T, p.Cys497= (NM_004518.6); c.1482C>T, p.Cys494= (NM_172108.5).
Identifiers: ClinVar variation 1775571 (VCV001775571.4), dbSNP rs528539094, ClinGen allele CA9958403.